The following is an entry in ClinVar:

ClinVar aggregate classification (germline): Uncertain significance (1 of 4 stars; one submission).

Conditions:
Inborn genetic diseases. Identifiers: MedGen C0950123, MeSH D030342.

Allele frequency attached by ClinVar (database versions not stated): TOPMed below 0.00001; gnomAD 0.00001.
gnomAD v4.1: 1 of 1,612,556 alleles (0.000062%); highest among the groups gnomAD compares: Non-Finnish European, 0.000085%; no homozygotes.

Submission:

Ambry Genetics
Classification: Uncertain significance for Inborn genetic diseases. Last evaluated: 2023-03-25. Review status: criteria provided, single submitter. Criteria: Ambry Variant Classification Scheme 2023. Collection method: clinical testing. Allele origin: germline.
Comment: The p.N2422H variant (also known as c.7264A>C), located in coding exon 49 of the LRRK2 gene, results from an A to C substitution at nucleotide position 7264. The asparagine at codon 2422 is replaced by histidine, an amino acid with similar properties. This amino acid position is conserved. In addition, this alteration is predicted to be tolerated by in silico analysis. Since supporting evidence is limited at this time, the clinical significance of this alteration remains unclear.

NM_198578.4(LRRK2):c.7264A>C (p.Asn2422His)

Gene: LRRK2 (leucine rich repeat kinase 2; plus strand). Cytogenetic location: 12q12.
Variant type: single nucleotide variant.
Coding change: c.7264A>C on transcript NM_198578.4 (MANE Select); coding-DNA position 7264, A replaced by C.
Protein change: p.Asn2422His; replaces asparagine 2422 with histidine.
Molecular consequence: missense variant.
Genome position (GRCh38, 1-based): chr12:40,364,924, A>C. VCF-style: chr12-40364924-A-C. GRCh37 (hg19) VCF-style: chr12-40758726-A-C.
Other names: short protein forms N2422H.
Identifiers: ClinVar variation 2567333 (VCV002567333.2), dbSNP rs1269146918, ClinGen allele CA384414883.